The following is an entry in ClinVar:

ClinVar aggregate classification (germline): Uncertain significance. Review status: criteria provided, multiple submitters, no conflicts (2 of 4 stars). 4 submissions from 4 submitters: Uncertain significance (4). Last evaluated 2026-01-13.

Conditions:
Familial adenomatous polyposis 1 (FAP1). Also called: FAMILIAL ADENOMATOUS POLYPOSIS 1, ATTENUATED; POLYPOSIS, ADENOMATOUS INTESTINAL. Identifiers: MedGen C2713442, MONDO:0021056, OMIM 175100. Disease mechanism: loss of function.
Classic or attenuated familial adenomatous polyposis. Identifiers: MedGen CN372698, MONDO:0021057.
Hereditary cancer-predisposing syndrome. Also called: Tumor predisposition; Hereditary Cancer Syndrome; Neoplastic Syndromes, Hereditary; Hereditary neoplastic syndrome. Identifiers: Orphanet 140162, MedGen C0027672, MeSH D009386, MONDO:0015356.

Allele frequency attached by ClinVar (database versions not stated): gnomAD exomes below 0.00001.
gnomAD v4.1: 1 of 1,614,166 alleles (0.000062%); highest among the groups gnomAD compares: Non-Finnish European, 0.000085%; no homozygotes.

Submissions (4):

Labcorp Genetics (formerly Invitae), Labcorp
Classification: Uncertain significance for Familial adenomatous polyposis 1. Last evaluated: 2026-01-13. Review status: criteria provided, single submitter. Criteria: Invitae Variant Classification Sherloc (09022015). Collection method: clinical testing. Allele origin: germline.
Comment: This sequence change replaces serine, which is neutral and polar, with leucine, which is neutral and non-polar, at codon 1327 of the APC protein (p.Ser1327Leu). This variant is not present in population databases (gnomAD no frequency). This variant has not been reported in the literature in individuals affected with APC-related conditions. ClinVar contains an entry for this variant (Variation ID: 627868). Invitae Evidence Modeling of protein sequence and biophysical properties (such as structural, functional, and spatial information, amino acid conservation, physicochemical variation, residue mobility, and thermodynamic stability) indicates that this missense variant is not expected to disrupt APC protein function with a negative predictive value of 95%. In summary, the available evidence is currently insufficient to determine the role of this variant in disease. Therefore, it has been classified as a Variant of Uncertain Significance.

Ambry Genetics
Classification: Uncertain significance for Hereditary cancer-predisposing syndrome. Last evaluated: 2025-05-30. Review status: criteria provided, single submitter. Criteria: Ambry Variant Classification Scheme 2023. Collection method: clinical testing. Allele origin: germline.
Comment: The p.S1327L variant (also known as c.3980C>T), located in coding exon 15 of the APC gene, results from a C to T substitution at nucleotide position 3980. The serine at codon 1327 is replaced by leucine, an amino acid with dissimilar properties. This variant has been reported in 1/1120 pediatric cancer patients who underwent whole genome sequencing and/or whole exome sequencing; this patient was diagnosed with ependymoma (Zhang J et al. N Engl J Med, 2015 Dec;373:2336-2346). This amino acid position is not well conserved in available vertebrate species. In addition, in silico predictors for this gene do not accurately predict pathogenicity. Missense alterations in APC are not a common cause of disease (Spier I et al. Genet Med. 2024 Feb;26(2):100992). Based on the available evidence, the clinical significance of this variant remains unclear.

All of Us Research Program, National Institutes of Health
Classification: Uncertain significance for Classic or attenuated familial adenomatous polyposis. Last evaluated: 2023-12-13. Review status: criteria provided, single submitter. Criteria: ACMG Guidelines, 2015. Collection method: clinical testing. Allele origin: germline. Inheritance: Autosomal dominant inheritance. Observed: 1 variant allele, 1 heterozygote.
Comment: This missense variant replaces serine with leucine at codon 1327 of the APC protein. Computational prediction suggests that this variant may not impact protein structure and function (internally defined REVEL score threshold <= 0.5, PMID: 27666373). To our knowledge, functional studies have not been reported for this variant. This variant has not been reported in individuals affected with APC-related disorders in the literature. This variant has not been identified in the general population by the Genome Aggregation Database (gnomAD). The available evidence is insufficient to determine the role of this variant in disease conclusively. Therefore, this variant is classified as a Variant of Uncertain Significance.

This study involves interpretation of variants in research participants for the purpose of population health screening. Participant phenotype was not available at the time of variant classification. Additional details can be found in publication PMID: 35346344, PMCID: PMC8962531

Color Diagnostics, LLC DBA Color Health
Classification: Uncertain significance for Hereditary cancer-predisposing syndrome. Last evaluated: 2023-11-15. Review status: criteria provided, single submitter. Criteria: ACMG Guidelines, 2015. Collection method: clinical testing. Allele origin: germline.
Comment: This missense variant replaces serine with leucine at codon 1327 of the APC protein. Computational prediction suggests that this variant may not impact protein structure and function (internally defined REVEL score threshold <= 0.5, PMID: 27666373). To our knowledge, functional studies have not been reported for this variant. This variant has not been reported in individuals affected with APC-related disorders in the literature. This variant has not been identified in the general population by the Genome Aggregation Database (gnomAD). The available evidence is insufficient to determine the role of this variant in disease conclusively. Therefore, this variant is classified as a Variant of Uncertain Significance.

Literature cited by the submitters: PubMed 26580448 (cited by Ambry Genetics).

NM_000038.6(APC):c.3980C>T (p.Ser1327Leu)

Gene: APC (APC regulator of Wnt signaling pathway; plus strand). Cytogenetic location: 5q22.2.
Variant type: single nucleotide variant.
Coding change: c.3980C>T on transcript NM_000038.6 (MANE Select); coding-DNA position 3980, C replaced by T.
Protein change: p.Ser1327Leu; replaces serine 1327 with leucine.
Molecular consequence: missense variant.
Genome position (GRCh38, 1-based): chr5:112,839,574, C>T. VCF-style: chr5-112839574-C-T. GRCh37 (hg19) VCF-style: chr5-112175271-C-T.
Other names: c.3980C>T, p.Ser1327Leu (NM_001127510.3, NM_001354895.2); c.3926C>T, p.Ser1309Leu (NM_001127511.3); c.4034C>T, p.Ser1345Leu (NM_001354896.2); c.4010C>T, p.Ser1337Leu (NM_001354897.2); c.3905C>T, p.Ser1302Leu (NM_001354898.2); c.3896C>T, p.Ser1299Leu (NM_001354899.2); c.3857C>T, p.Ser1286Leu (NM_001354900.2); c.3803C>T, p.Ser1268Leu (NM_001354901.2); and 5 more; short protein forms S1327L, S1309L, S1044L, S1201L, S1226L, S1286L, S1302L, S1345L.
Identifiers: ClinVar variation 627868 (VCV000627868.12), dbSNP rs1554085429, ClinGen allele CA16030060.
Genomic context (GRCh38, chr5:112,839,574, plus strand): 5'-TAAAAGAAAAGATTGGAACTAGGTCAGCTGAAGATCCTGTGAGCGAAGTTCCAGCAGTGT[C>T]ACAGCACCCTAGAACCAAATCCAGCAGACTGCAGGGTTCTAGTTTATCTTCAGAATCAGC-3'
Protein context (NP_000029.2, residues 1317-1337): EDPVSEVPAV[Ser1327Leu]QHPRTKSSRL